The following is an entry in ClinVar:

NM_004982.4(KCNJ8):c.583C>T (p.Arg195Cys)

Genes: KCNJ8 (potassium inwardly rectifying channel subfamily J member 8; minus strand), KCNJ8-AS1 (KCNJ8 antisense RNA 1; plus strand). Cytogenetic location: 12p12.1.
Variant type: single nucleotide variant.
Coding change: c.583C>T on transcript NM_004982.4 (MANE Select); coding-DNA position 583, C replaced by T.
Protein change: p.Arg195Cys; replaces arginine 195 with cysteine.
Molecular consequence: missense variant.
Genome position (GRCh38, 1-based): chr12:21,766,415, G>A on the plus strand (C>T on the coding strand, the complement: KCNJ8 is on the minus strand). VCF-style: chr12-21766415-G-A. GRCh37 (hg19) VCF-style: chr12-21919349-G-A.
Other names: short protein forms R195C.
Identifiers: ClinVar variation 1358748 (VCV001358748.8), dbSNP rs1940624368, ClinGen allele CA384126644.

ClinVar aggregate classification (germline): Uncertain significance (1 of 4 stars; one submission).

Conditions:
Brugada syndrome. Also called: Sudden unexpected nocturnal death syndrome; Sudden unexplained nocturnal death syndrome; Sudden Unexplained Death Syndrome; Sudden Unexplained Nocturnal Death Syndrome (SUNDS). Identifiers: Orphanet 130, MedGen C1142166, MONDO:0015263.

Allele frequency attached by ClinVar (database versions not stated): gnomAD exomes 0.00001; TOPMed 0.00001.

Submission:

Labcorp Genetics (formerly Invitae), Labcorp
Classification: Uncertain significance for Brugada syndrome. Last evaluated: 2022-08-09. Review status: criteria provided, single submitter. Criteria: Invitae Variant Classification Sherloc (09022015). Collection method: clinical testing. Allele origin: germline.
Comment: In summary, the available evidence is currently insufficient to determine the role of this variant in disease. Therefore, it has been classified as a Variant of Uncertain Significance. Algorithms developed to predict the effect of missense changes on protein structure and function (SIFT, PolyPhen-2, Align-GVGD) all suggest that this variant is likely to be disruptive. ClinVar contains an entry for this variant (Variation ID: 1358748). This variant has not been reported in the literature in individuals affected with KCNJ8-related conditions. This variant is not present in population databases (gnomAD no frequency). This sequence change replaces arginine, which is basic and polar, with cysteine, which is neutral and slightly polar, at codon 195 of the KCNJ8 protein (p.Arg195Cys).